The following is an entry in ClinVar:

NM_000368.5(TSC1):c.544G>A (p.Ala182Thr)

Gene: TSC1 (TSC complex subunit 1; minus strand). Cytogenetic location: 9q34.13.
Variant type: single nucleotide variant.
Coding change: c.544G>A on transcript NM_000368.5 (MANE Select); coding-DNA position 544, G replaced by A.
Protein change: p.Ala182Thr; replaces alanine 182 with threonine.
Molecular consequence: missense variant.
Genome position (GRCh38, 1-based): chr9:132,921,938, C>T on the plus strand (G>A on the coding strand, the complement: TSC1 is on the minus strand). VCF-style: chr9-132921938-C-T. GRCh37 (hg19) VCF-style: chr9-135797325-C-T.
Other names: c.544G>A (NM_000368.4); c.544G>A, p.Ala182Thr (NM_001162426.2); c.391G>A, p.Ala131Thr (NM_001162427.2); c.181G>A, p.Ala61Thr (NM_001362177.2); short protein forms A131T, A182T, A61T.
Identifiers: ClinVar variation 1469531 (VCV001469531.9), dbSNP rs2132159449, ClinGen allele CA375372805.

ClinVar aggregate classification (germline): Uncertain significance. Review status: criteria provided, multiple submitters, no conflicts (2 of 4 stars). 2 submissions from 2 submitters: Uncertain significance (2). Last evaluated 2024-01-28.

Conditions:
Tuberous sclerosis 1 (TSC1). Identifiers: Orphanet 805, MedGen C1854465, MONDO:0008612, OMIM 191100.
Hereditary cancer-predisposing syndrome. Also called: Neoplastic Syndromes, Hereditary; Hereditary Cancer Syndrome; Tumor predisposition; Hereditary neoplastic syndrome. Identifiers: Orphanet 140162, MedGen C0027672, MeSH D009386, MONDO:0015356.

Allele frequency attached by ClinVar (database versions not stated): gnomAD exomes below 0.00001.

Submissions (2):

Labcorp Genetics (formerly Invitae), Labcorp
Classification: Uncertain significance for Tuberous sclerosis 1. Last evaluated: 2024-01-28. Review status: criteria provided, single submitter. Criteria: Invitae Variant Classification Sherloc (09022015). Collection method: clinical testing. Allele origin: germline.
Comment: This sequence change replaces alanine, which is neutral and non-polar, with threonine, which is neutral and polar, at codon 182 of the TSC1 protein (p.Ala182Thr). This variant is not present in population databases (gnomAD no frequency). This variant has not been reported in the literature in individuals affected with TSC1-related conditions. ClinVar contains an entry for this variant (Variation ID: 1469531). Advanced modeling of protein sequence and biophysical properties (such as structural, functional, and spatial information, amino acid conservation, physicochemical variation, residue mobility, and thermodynamic stability) performed at Invitae indicates that this missense variant is not expected to disrupt TSC1 protein function with a negative predictive value of 95%. In summary, the available evidence is currently insufficient to determine the role of this variant in disease. Therefore, it has been classified as a Variant of Uncertain Significance.

Ambry Genetics
Classification: Uncertain significance for Hereditary cancer-predisposing syndrome. Last evaluated: 2023-09-24. Review status: criteria provided, single submitter. Criteria: Ambry Variant Classification Scheme 2023. Collection method: clinical testing. Allele origin: germline.
Comment: The p.A182T variant (also known as c.544G>A), located in coding exon 5 of the TSC1 gene, results from a G to A substitution at nucleotide position 544. The alanine at codon 182 is replaced by threonine, an amino acid with similar properties. This amino acid position is conserved. In addition, the in silico prediction for this alteration is inconclusive. Since supporting evidence is limited at this time, the clinical significance of this alteration remains unclear.